The following is an entry in ClinVar:

NM_130837.3(OPA1):c.2461A>C (p.Met821Leu)

Gene: OPA1 (OPA1 mitochondrial dynamin like GTPase; plus strand). Cytogenetic location: 3q29.
Variant type: single nucleotide variant.
Coding change: c.2461A>C on transcript NM_130837.3 (MANE Select); coding-DNA position 2461, A replaced by C.
Protein change: p.Met821Leu; replaces methionine 821 with leucine.
Molecular consequence: missense variant.
Genome position (GRCh38, 1-based): chr3:193,659,502, A>C. VCF-style: chr3-193659502-A-C. GRCh37 (hg19) VCF-style: chr3-193377291-A-C.
Other names: c.1927A>C, p.Met643Leu (NM_001354663.2); c.1924A>C, p.Met642Leu (NM_001354664.2); c.2296A>C, p.Met766Leu (NM_015560.3); c.2188A>C, p.Met730Leu (NM_130831.3); c.2242A>C, p.Met748Leu (NM_130832.3); c.2299A>C, p.Met767Leu (NM_130833.3); c.2350A>C, p.Met784Leu (NM_130834.3); c.2353A>C, p.Met785Leu (NM_130835.3); and 1 more; short protein forms M767L, M643L, M730L, M748L, M803L, M821L, M642L, M785L.
Identifiers: ClinVar variation 4699658 (VCV004699658.1).

ClinVar aggregate classification (germline): Uncertain significance (1 of 4 stars; one submission).

Submission:

Labcorp Genetics (formerly Invitae), Labcorp
Classification: Uncertain significance. Last evaluated: 2025-05-25. Review status: criteria provided, single submitter. Criteria: Invitae Variant Classification Sherloc (09022015). Collection method: clinical testing. Allele origin: germline.
Comment: This sequence change replaces methionine, which is neutral and non-polar, with leucine, which is neutral and non-polar, at codon 766 of the OPA1 protein (p.Met766Leu). This variant is not present in population databases (gnomAD no frequency). This variant has not been reported in the literature in individuals affected with OPA1-related conditions. Invitae Evidence Modeling of protein sequence and biophysical properties (such as structural, functional, and spatial information, amino acid conservation, physicochemical variation, residue mobility, and thermodynamic stability) indicates that this missense variant is not expected to disrupt OPA1 protein function with a negative predictive value of 80%. In summary, the available evidence is currently insufficient to determine the role of this variant in disease. Therefore, it has been classified as a Variant of Uncertain Significance.